The following is an entry in ClinVar:

ClinVar aggregate classification (germline): Uncertain significance (1 of 4 stars; one submission).

Conditions:
Immunodeficiency 104. Also called: Severe combined immunodeficiency, autosomal recessive, T cell-negative, B cell-positive, NK cell-positive; IMMUNODEFICIENCY 104, SEVERE COMBINED; SCID, AUTOSOMAL RECESSIVE, T CELL-NEGATIVE, B CELL-POSITIVE, NK CELL-POSITIVE; Severe Combined Immune Deficiency, Autosomal Recessive, TCell -Negative, B Cell-Positive, NK Cell-Positive, IL7R-Related. Identifiers: MedGen C5676890, MONDO:0012163, OMIM 608971.

Allele frequency attached by ClinVar (database versions not stated): gnomAD 0.00001; gnomAD exomes 0.00001; TOPMed 0.00003.
gnomAD v4.1: 8 of 1,613,774 alleles (0.0005%); highest among the groups gnomAD compares: Admixed American, 0.005%; no homozygotes.

Submission:

Labcorp Genetics (formerly Invitae), Labcorp
Classification: Uncertain significance for Immunodeficiency 104. Last evaluated: 2022-07-29. Review status: criteria provided, single submitter. Criteria: Invitae Variant Classification Sherloc (09022015). Collection method: clinical testing. Allele origin: germline.
Comment: This sequence change replaces lysine, which is basic and polar, with asparagine, which is neutral and polar, at codon 542 of the PTPRC protein (p.Lys542Asn). This variant is present in population databases (no rsID available, gnomAD 0.003%). This variant has not been reported in the literature in individuals affected with PTPRC-related conditions. Algorithms developed to predict the effect of missense changes on protein structure and function output the following: SIFT: "Tolerated"; PolyPhen-2: "Benign"; Align-GVGD: "Class C0". The asparagine amino acid residue is found in multiple mammalian species, which suggests that this missense change does not adversely affect protein function. In summary, the available evidence is currently insufficient to determine the role of this variant in disease. Therefore, it has been classified as a Variant of Uncertain Significance.

NM_002838.5(PTPRC):c.1626A>C (p.Lys542Asn)

Gene: PTPRC (protein tyrosine phosphatase receptor type C; plus strand). Cytogenetic location: 1q32.1.
Variant type: single nucleotide variant.
Coding change: c.1626A>C on transcript NM_002838.5 (MANE Select); coding-DNA position 1626, A replaced by C.
Protein change: p.Lys542Asn; replaces lysine 542 with asparagine.
Molecular consequence: missense variant.
Genome position (GRCh38, 1-based): chr1:198,718,269, A>C. VCF-style: chr1-198718269-A-C. GRCh37 (hg19) VCF-style: chr1-198687398-A-C.
Other names: c.1143A>C, p.Lys381Asn (NM_080921.4); short protein forms K381N, K542N.
Identifiers: ClinVar variation 2178228 (VCV002178228.1), dbSNP rs1237473864, ClinGen allele CA344039551.
Genomic context (GRCh38, chr1:198,718,269, plus strand): 5'-TGAAGCTGGAAATACTCTGGTTAGAAATGAGTCGCATAAGAATTGCGATTTCCGTGTAAA[A>C]GATCTTCAATATTCAACAGACTACACTTTTAAGGTAAAAGTATGCTCTCTACATTACTAT-3'
Protein context (NP_002829.3, residues 532-552): ESHKNCDFRV[Lys542Asn]DLQYSTDYTF